The following is an entry in ClinVar:

ClinVar aggregate classification (germline): Benign/Likely benign. Review status: criteria provided, multiple submitters, no conflicts (2 of 4 stars). 9 submissions from 9 submitters: Benign (2); Likely benign (7). Last evaluated 2026-01-19.

Conditions:
Chuvash polycythemia. Also called: POLYCYTHEMIA, VHL-DEPENDENT. Identifiers: Orphanet 238557, MedGen C1837915, MONDO:0009892, OMIM 263400.
Von Hippel-Lindau syndrome (VHLS). Also called: von Hippel–Lindau syndrome; Von Hippel-Lindau; VHL syndrome. Identifiers: Orphanet 892, MedGen C0019562, MONDO:0008667, OMIM 193300. Disease mechanism: loss of function.
Hereditary cancer-predisposing syndrome. Also called: Neoplastic Syndromes, Hereditary; Tumor predisposition; Hereditary Cancer Syndrome; Hereditary neoplastic syndrome. Identifiers: Orphanet 140162, MedGen C0027672, MeSH D009386, MONDO:0015356.

Allele frequency attached by ClinVar (database versions not stated): gnomAD 0.00003 and 0.00004; TOPMed 0.00003; ExAC 0.00004.
gnomAD v4.1: 110 of 1,613,258 alleles (0.0068%); highest among the groups gnomAD compares: Non-Finnish European, 0.0084%; no homozygotes.

Submissions (9):

Labcorp Genetics (formerly Invitae), Labcorp
Classification: Likely benign for Von Hippel-Lindau syndrome; Chuvash polycythemia. Last evaluated: 2026-01-19. Review status: criteria provided, single submitter. Criteria: Invitae Variant Classification Sherloc (09022015). Collection method: clinical testing. Allele origin: germline.

Myriad Genetics, Inc.
Classification: Benign for Von Hippel-Lindau syndrome. Last evaluated: 2025-06-13. Review status: criteria provided, single submitter. Criteria: Myriad Autosomal Dominant, Autosomal Recessive and X-Linked Classification Criteria (2023). Collection method: clinical testing. Allele origin: unknown.
Comment: This variant is considered benign. This variant is a silent/synonymous amino acid change and it is not expected to impact splicing.

Women's Health and Genetics/Laboratory Corporation of America, LabCorp
Classification: Benign. Last evaluated: 2024-12-11. Review status: criteria provided, single submitter. Criteria: LabCorp Variant Classification Summary - May 2015. Collection method: clinical testing. Allele origin: germline.
Comment: Variant summary: VHL c.639T>C results in a synonymous change. Consensus agreement among computation tools predict no significant impact on normal splicing (TrAP). However, these predictions have yet to be confirmed by functional studies. The variant allele was found at a frequency of 4e-05 in 249864 control chromosomes. The observed variant frequency is approximately 1.92 fold of the estimated maximal expected allele frequency for a pathogenic variant in VHL causing Von Hippel-Lindau Syndrome phenotype (2.1e-05). To our knowledge, no occurrence of c.639T>C in individuals affected with Von Hippel-Lindau Syndrome and no experimental evidence demonstrating its impact on protein function have been reported. ClinVar contains an entry for this variant (Variation ID: 342404). Based on the evidence outlined above, the variant was classified as benign.

All of Us Research Program, National Institutes of Health
Classification: Likely benign for Von Hippel-Lindau syndrome. Last evaluated: 2023-12-18. Review status: criteria provided, single submitter. Criteria: ACMG Guidelines, 2015. Collection method: clinical testing. Allele origin: germline. Inheritance: Autosomal dominant inheritance. Observed: 10 variant alleles, 10 heterozygotes.
Comment: This study involves interpretation of variants in research participants for the purpose of population health screening. Participant phenotype was not available at the time of variant classification. Additional details can be found in publication PMID: 35346344, PMCID: PMC8962531

Blueprint Genetics
Classification: Likely benign. Last evaluated: 2022-04-27. Review status: criteria provided, single submitter. Criteria: ACMG Guidelines, 2015. Collection method: clinical testing. Allele origin: germline.

Color Diagnostics, LLC DBA Color Health
Classification: Likely benign for Von Hippel-Lindau syndrome. Last evaluated: 2022-04-01. Review status: criteria provided, single submitter. Criteria: ACMG Guidelines, 2015. Collection method: clinical testing. Allele origin: germline.

GeneDx
Classification: Likely benign. Last evaluated: 2020-04-17. Review status: criteria provided, single submitter. Criteria: GeneDx Variant Classification Process June 2021. Collection method: clinical testing. Allele origin: germline. Affected: yes.

Ambry Genetics
Classification: Likely benign for Hereditary cancer-predisposing syndrome. Last evaluated: 2018-04-25. Review status: criteria provided, single submitter. Criteria: Ambry Variant Classification Scheme 2023. Collection method: clinical testing. Allele origin: germline.

PreventionGenetics, part of Exact Sciences
Classification: Likely benign. Last evaluated: 2017-12-11. Review status: criteria provided, single submitter. Criteria: ACMG Guidelines, 2015. Collection method: clinical testing. Allele origin: germline.

NM_000551.4(VHL):c.639T>C (p.Asp213=)

Genes: VHL (von Hippel-Lindau tumor suppressor; plus strand), LOC107303340 (3p25 von Hippel-Lindau tumor suppressor, E3 ubiquitin protein ligase Alu-mediated recombination region; plus strand). Cytogenetic location: 3p25.3.
Variant type: single nucleotide variant.
Coding change: c.639T>C on transcript NM_000551.4 (MANE Select); coding-DNA position 639, T replaced by C.
Protein change: p.Asp213=; no amino-acid change (aspartic acid 213 retained).
Molecular consequence: synonymous variant. On other transcripts: 3 prime UTR variant (1).
Genome position (GRCh38, 1-based): chr3:10,149,962, T>C. VCF-style: chr3-10149962-T-C. GRCh37 (hg19) VCF-style: chr3-10191646-T-C.
Other names: c.*193T>C (NM_001354723.2); c.516T>C, p.Asp172= (NM_198156.3).
Identifiers: ClinVar variation 342404 (VCV000342404.28), dbSNP rs775624944, ClinGen allele CA042035.